The following is an entry in ClinVar:

NM_032217.5(ANKRD17):c.6797A>C (p.His2266Pro)

Gene: ANKRD17 (ankyrin repeat domain 17; minus strand). Cytogenetic location: 4q13.3.
Variant type: single nucleotide variant.
Coding change: c.6797A>C on transcript NM_032217.5 (MANE Select); coding-DNA position 6797, A replaced by C.
Protein change: p.His2266Pro; replaces histidine 2266 with proline.
Molecular consequence: missense variant.
Genome position (GRCh38, 1-based): chr4:73,090,831, T>G on the plus strand (A>C on the coding strand, the complement: ANKRD17 is on the minus strand). VCF-style: chr4-73090831-T-G. GRCh37 (hg19) VCF-style: chr4-73956548-T-G.
Other names: c.6458A>C, p.His2153Pro (NM_001286771.3); c.6794A>C, p.His2265Pro (NM_015574.2); c.6044A>C, p.His2015Pro (NM_198889.3); short protein forms H2015P, H2153P, H2265P, H2266P.
Identifiers: ClinVar variation 5020723 (VCV005020723.1).

ClinVar aggregate classification (germline): Uncertain significance (1 of 4 stars; one submission).

Submission:

Dasa
Classification: Uncertain significance. Last evaluated: 2026-01-22. Review status: criteria provided, single submitter. Criteria: DASA Assertion Criteria. Collection method: clinical testing. Allele origin: germline.
Comment: NM_032217.5(ANKRD17):c.6797A>C (p.His2266Pro) is a missense variant that results in the substitution of histidine with proline. This variant is rare in population databases. The currently available literature and clinical evidence are not sufficient to establish a definitive association between this variant and the reported condition. Therefore, this variant is classified as a variant of uncertain significance.